The following is an entry in ClinVar:

ClinVar aggregate classification (germline): Benign/Likely benign. Review status: criteria provided, multiple submitters, no conflicts (2 of 4 stars). 4 submissions from 4 submitters: Benign (3); Likely benign (1). Last evaluated 2026-08-01.

Allele frequency attached by ClinVar (database versions not stated): 1000 Genomes Project 30x 0.00156; 1000 Genomes Project 0.00160; ExAC 0.00184; gnomAD exomes 0.00213 and 0.00386; gnomAD 0.00230 and 0.00239; TOPMed 0.00254; ESP Exome Variant Server 0.00261.
gnomAD v4.1: 5,902 of 1,612,324 alleles (0.37%); highest among the groups gnomAD compares: Non-Finnish European, 0.46%; 15 homozygotes.

Submissions (4):

CeGaT Center for Human Genetics Tuebingen
Classification: Likely benign. Last evaluated: 2026-08-01. Review status: criteria provided, single submitter. Criteria: CeGaT Center For Human Genetics Tuebingen Variant Classification Criteria Version 2. Collection method: clinical testing. Allele origin: germline. Affected: yes. Observed: 14 variant alleles.
Comment: TRPA1: BP4, BP7, BS2

Women's Health and Genetics/Laboratory Corporation of America, LabCorp
Classification: Benign. Last evaluated: 2026-03-16. Review status: criteria provided, single submitter. Criteria: LabCorp Variant Classification Summary - May 2015. Collection method: clinical testing. Allele origin: germline.

Labcorp Genetics (formerly Invitae), Labcorp
Classification: Benign. Last evaluated: 2019-12-31. Review status: criteria provided, single submitter. Criteria: Invitae Variant Classification Sherloc (09022015). Collection method: clinical testing. Allele origin: germline.

Breakthrough Genomics
Classification: Benign. Review status: criteria provided, single submitter. Criteria: ACMG Guidelines, 2015. Collection method: not provided. Allele origin: germline. Inheritance: Autosomal dominant inheritance. Affected: yes.

NM_007332.3(TRPA1):c.2277A>G (p.Ser759=)

Genes: MSC-AS1 (MSC antisense RNA 1; plus strand), TRPA1 (transient receptor potential cation channel subfamily A member 1; minus strand). Cytogenetic location: 8q21.11.
Variant type: single nucleotide variant.
Coding change: c.2277A>G on transcript NM_007332.3 (MANE Select); coding-DNA position 2277, A replaced by G.
Protein change: p.Ser759=; no amino-acid change (serine 759 retained).
Molecular consequence: synonymous variant.
Genome position (GRCh38, 1-based): chr8:72,038,883, T>C on the plus strand (A>G on the coding strand, the complement: TRPA1 is on the minus strand). VCF-style: chr8-72038883-T-C. GRCh37 (hg19) VCF-style: chr8-72951118-T-C.
Identifiers: ClinVar variation 724681 (VCV000724681.38), dbSNP rs148262779, ClinGen allele CA4780563.